The following is an entry in ClinVar:

ClinVar aggregate classification (germline): Likely benign. Review status: criteria provided, single submitter (1 of 4 stars). 2 submissions from 2 submitters: Likely benign (1). 1 of the submissions does not count toward it. Last evaluated 2023-03-17.

Conditions:
TONSL-related disorder. Also called: TONSL-related condition.

Allele frequency attached by ClinVar (database versions not stated): gnomAD exomes below 0.00001 and 0.00001; TOPMed 0.00001; ExAC 0.00002.
gnomAD v4.1: 2 of 1,503,002 alleles (0.00013%); highest among the groups gnomAD compares: Admixed American, 0.0022%; no homozygotes.

Submissions (2):

Labcorp Genetics (formerly Invitae), Labcorp
Classification: Likely benign. Last evaluated: 2023-03-17. Review status: criteria provided, single submitter. Criteria: Invitae Variant Classification Sherloc (09022015). Collection method: clinical testing. Allele origin: germline.

PreventionGenetics, part of Exact Sciences
Classification: Likely benign for TONSL-related condition. Last evaluated: 2020-06-17. Review status: no assertion criteria provided. Collection method: clinical testing. Allele origin: germline. Not counted in ClinVar's aggregate classification.
Comment: This variant is classified as likely benign based on ACMG/AMP sequence variant interpretation guidelines (Richards et al. 2015 PMID: 25741868, with internal and published modifications).

NM_013432.5(TONSL):c.2088C>T (p.Ser696=)

Genes: TONSL (tonsoku like, DNA repair protein; minus strand), TONSL-AS1 (TONSL antisense RNA 1; plus strand). Cytogenetic location: 8q24.3.
Variant type: single nucleotide variant.
Coding change: c.2088C>T on transcript NM_013432.5 (MANE Select); coding-DNA position 2088, C replaced by T.
Protein change: p.Ser696=; no amino-acid change (serine 696 retained).
Molecular consequence: synonymous variant.
Genome position (GRCh38, 1-based): chr8:144,436,345, G>A on the plus strand (C>T on the coding strand, the complement: TONSL is on the minus strand). VCF-style: chr8-144436345-G-A. GRCh37 (hg19) VCF-style: chr8-145661728-G-A.
Other names: c.2088C>T (NM_013432.4).
Identifiers: ClinVar variation 1603776 (VCV001603776.10), dbSNP rs749942528, ClinGen allele CA4942919.